The following is an entry in ClinVar:

ClinVar aggregate classification (germline): Likely benign (1 of 4 stars; one submission).

Allele frequency attached by ClinVar (database versions not stated): 1000 Genomes Project 0.00499; 1000 Genomes Project 30x 0.00500; TOPMed 0.00896; gnomAD 0.01105 and 0.01133.
gnomAD v4.1: 1,680 of 152,288 alleles (1.1%); highest among the groups gnomAD compares: Non-Finnish European, 1.7%; 23 homozygotes.

Submission:

GeneDx
Classification: Likely benign. Last evaluated: 2018-06-14. Review status: criteria provided, single submitter. Criteria: GeneDx Variant Classification (06012015). Collection method: clinical testing. Allele origin: germline. Affected: yes.
Comment: This variant is considered likely benign or benign based on one or more of the following criteria: it is a conservative change, it occurs at a poorly conserved position in the protein, it is predicted to be benign by multiple in silico algorithms, and/or has population frequency not consistent with disease.

NM_001271.4(CHD2):c.2190-197T>A

Gene: CHD2 (chromodomain helicase DNA binding protein 2; plus strand). Cytogenetic location: 15q26.1.
Variant type: single nucleotide variant.
Coding change: c.2190-197T>A on transcript NM_001271.4 (MANE Select); 197 bases into the intron before coding-DNA position 2190, T replaced by A.
Molecular consequence: intron variant.
Genome position (GRCh38, 1-based): chr15:92,971,568, T>A. VCF-style: chr15-92971568-T-A. GRCh37 (hg19) VCF-style: chr15-93514798-T-A.
Identifiers: ClinVar variation 677298 (VCV000677298.1), dbSNP rs62023143, ClinGen allele CA274847728.
Genomic context (GRCh38, chr15:92,971,568, plus strand): 5'-TGTTTTCTTCTAGTATTCCTGTGTTCAGTGAGGTTGAAATATCCAGCAGAATCTTTAACA[T>A]TCCTAATTCTGACTGGAGATGTGAAAGATGTATGATTAGATGGCAGGAGATACAAAAGAA-3'